The following is an entry in ClinVar:

NM_000350.3(ABCA4):c.2382+4A>G

Gene: ABCA4 (ATP binding cassette subfamily A member 4; minus strand). Cytogenetic location: 1p22.1.
Variant type: single nucleotide variant.
Coding change: c.2382+4A>G on transcript NM_000350.3 (MANE Select); 4 bases into the intron after coding-DNA position 2382, A replaced by G.
Molecular consequence: intron variant.
Genome position (GRCh38, 1-based): chr1:94,056,597, T>C on the plus strand (A>G on the coding strand, the complement: ABCA4 is on the minus strand). VCF-style: chr1-94056597-T-C. GRCh37 (hg19) VCF-style: chr1-94522153-T-C.
Identifiers: ClinVar variation 2779969 (VCV002779969.4), dbSNP rs2523821588, ClinGen allele CA2586966931.

ClinVar aggregate classification (germline): Pathogenic/Likely pathogenic. Review status: criteria provided, multiple submitters, no conflicts (2 of 4 stars). 2 submissions from 2 submitters: Pathogenic (1); Likely pathogenic (1). Last evaluated 2023-10-10.

Conditions:
Retinal dystrophy. Also called: Inherited retinal dystrophy. Identifiers: Orphanet 71862, MedGen C0854723, MeSH D058499, MONDO:0019118, HP:0000556.

Submissions (2):

Labcorp Genetics (formerly Invitae), Labcorp
Classification: Pathogenic. Last evaluated: 2023-10-10. Review status: criteria provided, single submitter. Criteria: Invitae Variant Classification Sherloc (09022015). Collection method: clinical testing. Allele origin: germline.
Comment: This sequence change falls in intron 15 of the ABCA4 gene. It does not directly change the encoded amino acid sequence of the ABCA4 protein. It affects a nucleotide within the consensus splice site. This variant is not present in population databases (gnomAD no frequency). This variant has been observed in individual(s) with Stargardt disease (PMID: 32783370; Invitae). Variants that disrupt the consensus splice site are a relatively common cause of aberrant splicing (PMID: 17576681, 9536098). Algorithms developed to predict the effect of sequence changes on RNA splicing suggest that this variant may disrupt the consensus splice site. For these reasons, this variant has been classified as Pathogenic.

Institute of Human Genetics, Univ. Regensburg, Univ. Regensburg
Classification: Likely pathogenic for Retinal dystrophy. Last evaluated: 2023-01-01. Review status: criteria provided, single submitter. Criteria: ACMG Guidelines, 2015. Collection method: clinical testing. Allele origin: germline. Affected: yes.

Literature cited by the submitters: PubMed 32783370 (cited by Labcorp Genetics (formerly Invitae), Labcorp and Institute of Human Genetics, Univ. Regensburg, Univ. Regensburg); PubMed 17576681 (cited by Labcorp Genetics (formerly Invitae), Labcorp); PubMed 9536098 (cited by Labcorp Genetics (formerly Invitae), Labcorp).